The following is an entry in ClinVar:

ClinVar aggregate classification (germline): Uncertain significance. Review status: criteria provided, multiple submitters, no conflicts (2 of 4 stars). 2 submissions from 2 submitters: Uncertain significance (2). Last evaluated 2022-10-12.

Conditions:
Primary ciliary dyskinesia 27. Also called: CILIARY DYSKINESIA, PRIMARY, 27, WITHOUT SITUS INVERSUS. Identifiers: Orphanet 244, MedGen C3809701, MONDO:0014215, OMIM 615504.
Inborn genetic diseases. Identifiers: MedGen C0950123, MeSH D030342.

Allele frequency attached by ClinVar (database versions not stated): ExAC 0.00005; gnomAD 0.00005 and 0.00006; gnomAD exomes 0.00007 and 0.00014; TOPMed 0.00009.
gnomAD v4.1: 48 of 1,613,604 alleles (0.003%); highest among the groups gnomAD compares: Admixed American, 0.078%; 1 homozygote.

Submissions (2):

Ambry Genetics
Classification: Uncertain significance for Inborn genetic diseases. Last evaluated: 2022-10-12. Review status: criteria provided, single submitter. Criteria: Ambry Variant Classification Scheme 2023. Collection method: clinical testing. Allele origin: germline.

Labcorp Genetics (formerly Invitae), Labcorp
Classification: Uncertain significance for Primary ciliary dyskinesia 27. Last evaluated: 2022-07-20. Review status: criteria provided, single submitter. Criteria: Invitae Variant Classification Sherloc (09022015). Collection method: clinical testing. Allele origin: germline.
Comment: This sequence change replaces glutamine, which is neutral and polar, with lysine, which is basic and polar, at codon 112 of the CCDC65 protein (p.Gln112Lys). This variant is present in population databases (rs750352672, gnomAD 0.1%), including at least one homozygous and/or hemizygous individual. This variant has not been reported in the literature in individuals affected with CCDC65-related conditions. ClinVar contains an entry for this variant (Variation ID: 1480959). Algorithms developed to predict the effect of missense changes on protein structure and function are either unavailable or do not agree on the potential impact of this missense change (SIFT: "Deleterious"; PolyPhen-2: "Probably Damaging"; Align-GVGD: "Class C0"). In summary, the available evidence is currently insufficient to determine the role of this variant in disease. Therefore, it has been classified as a Variant of Uncertain Significance.

NM_033124.5(DRC2):c.334C>A (p.Gln112Lys)

Gene: DRC2 (dynein regulatory complex subunit 2; plus strand). Cytogenetic location: 12q13.12.
Variant type: single nucleotide variant.
Coding change: c.334C>A on transcript NM_033124.5 (MANE Select); coding-DNA position 334, C replaced by A.
Protein change: p.Gln112Lys; replaces glutamine 112 with lysine.
Molecular consequence: missense variant. On other transcripts: 5 prime UTR variant (1).
Genome position (GRCh38, 1-based): chr12:48,914,437, C>A. VCF-style: chr12-48914437-C-A. GRCh37 (hg19) VCF-style: chr12-49308220-C-A.
Other names: c.-96C>A (NM_001286957.2); c.334C>A (NM_033124.4); short protein forms Q112K.
Identifiers: ClinVar variation 1480959 (VCV001480959.4), dbSNP rs750352672, ClinGen allele CA6543213.